The following is an entry in ClinVar:

ClinVar aggregate classification (germline): Likely pathogenic (1 of 4 stars; one submission).

Conditions:
Migraine, familial hemiplegic, 3. Identifiers: Orphanet 569, MedGen C1864987, MONDO:0012320, OMIM 609634.

Submission:

Centre for Mendelian Genomics, University Medical Centre Ljubljana
Classification: Likely pathogenic for Migraine, familial hemiplegic, 3. Last evaluated: 2020-01-23. Review status: criteria provided, single submitter. Criteria: ACMG Guidelines, 2015. Collection method: clinical testing. Allele origin: unknown. Affected: yes.
Comment: This variant was classified as: Likely pathogenic. The following ACMG criteria were applied in classifying this variant: PVS1,PM2.

NM_001165963.4(SCN1A):c.1922_1923delinsATC (p.Met641fs)

Gene: SCN1A (sodium voltage-gated channel alpha subunit 1; minus strand). Cytogenetic location: 2q24.3.
Variant type: Indel.
Coding change: c.1922_1923delinsATC on transcript NM_001165963.4 (MANE Select); coding-DNA positions 1922 to 1923, TG replaced by ATC.
Protein change: p.Met641fs; shifts the reading frame from methionine 641.
Molecular consequence: frameshift variant. On other transcripts: 5 prime UTR variant (1), non-coding transcript variant (1).
Genome position (GRCh38, 1-based): chr2:166,043,789-166,043,790, CA replaced by GAT on the plus strand (TG replaced by ATC on the coding strand, the reverse complement: SCN1A is on the minus strand). VCF-style: chr2-166043789-CA-GAT. GRCh37 (hg19) VCF-style: chr2-166900299-CA-GAT.
Other names: c.1922_1923delinsATC, p.Met641fs (NM_001165964.3, NM_001202435.3, NM_001353948.2 and 7 more transcripts); c.1919_1920delinsATC, p.Met640fs (NM_001353954.2, NM_001353955.2, NM_001353960.2); c.-504_-503delinsATC (NM_001353961.2); short protein forms M640fs, M641fs.
Identifiers: ClinVar variation 931239 (VCV000931239.3), dbSNP rs1697433995, ClinGen allele CA1139655644.
Genomic context (GRCh38, chr2:166,043,789, plus strand): 5'-TGTAGGAACTGAAGGTCCACCAACCAAGGAAACCACACCATTGCAATCCACAGTGCTGTG[CA>GAT]TCTTCCCATTCGCTGGAAACACTGCCAGCATCCGGGATGACCTACTGGTCTGACTCAGGT-3'